The following is an entry in ClinVar:

ClinVar aggregate classification (germline): Pathogenic (1 of 4 stars; one submission).

Conditions:
Growth delay due to insulin-like growth factor I resistance. Also called: Somatomedin end-organ insensitivity to; Somatomedin-c resistance to; IGF-1 resistance; IGF-I RESISTANCE; Insulin-Like Growth Factor I Resistance. Identifiers: Orphanet 73273, MedGen C1849157, MONDO:0010038, OMIM 270450.

Submission:

Women's Health and Genetics/Laboratory Corporation of America, LabCorp
Classification: Pathogenic for Growth delay due to insulin-like growth factor I resistance. Last evaluated: 2024-08-30. Review status: criteria provided, single submitter. Criteria: LabCorp Variant Classification Summary - May 2015. Collection method: clinical testing. Allele origin: germline.
Comment: Variant summary: IGF1R c.3464G>C (p.Gly1155Ala) results in a non-conservative amino acid change located in the Protein kinase domain (IPR000719) of the encoded protein sequence. Five of five in-silico tools predict a damaging effect of the variant on protein function. The variant was absent in 251472 control chromosomes. c.3464G>C has been reported in the literature in multiple heterozygous individuals affected with intrauterine and postnatal growth failure (Kruis_2010). These data indicate that the variant is very likely to be associated with disease. At least one publication reports experimental evidence evaluating an impact on protein function. The most pronounced variant effect results in significantly reduced kinase activity in transfected cells (Kruis_2010). The following publication has been ascertained in the context of this evaluation (PMID: 20103656). No submitters have cited clinical-significance assessments for this variant to ClinVar. Based on the evidence outlined above, the variant was classified as pathogenic.

Literature cited by the submitters: PubMed 20103656.

NM_000875.5(IGF1R):c.3464G>C (p.Gly1155Ala)

Gene: IGF1R (insulin like growth factor 1 receptor; plus strand). Cytogenetic location: 15q26.3.
Variant type: single nucleotide variant.
Coding change: c.3464G>C on transcript NM_000875.5 (MANE Select); coding-DNA position 3464, G replaced by C.
Protein change: p.Gly1155Ala; replaces glycine 1155 with alanine.
Molecular consequence: missense variant.
Genome position (GRCh38, 1-based): chr15:98,942,929, G>C. VCF-style: chr15-98942929-G-C. GRCh37 (hg19) VCF-style: chr15-99486158-G-C.
Other names: c.3461G>C, p.Gly1154Ala (NM_001291858.2); short protein forms G1154A, G1155A.
Identifiers: ClinVar variation 3366330 (VCV003366330.1).